The following is an entry in ClinVar:

ClinVar aggregate classification (germline): Uncertain significance. Review status: criteria provided, multiple submitters, no conflicts (2 of 4 stars). 5 submissions from 5 submitters: Uncertain significance (3). 2 of the submissions do not count toward it. Last evaluated 2025-11-24.

Conditions:
Cardiovascular phenotype. Identifiers: MedGen CN230736.
Desmin-related myofibrillar myopathy (MFM1). Also called: Desminopathy; Desmin related myopathy (former name); Desmin storage myopathy (former name); Myofibrillar myopathy 1; MYOFIBRILLAR MYOPATHY WITH ARRHYTHMOGENIC RIGHT VENTRICULAR CARDIOMYOPATHY; DESMIN-RELATED MYOPATHY WITH ARRHYTHMOGENIC RIGHT VENTRICULAR CARDIOMYOPATHY. Identifiers: Orphanet 363543, Orphanet 98909, MedGen C1832370, MONDO:0011076, OMIM 601419.

Allele frequency attached by ClinVar (database versions not stated): TOPMed 0.00001; gnomAD 0.00002.
gnomAD v4.1: 12 of 1,586,966 alleles (0.00076%); highest among the groups gnomAD compares: Non-Finnish European, 0.001%; no homozygotes.

Submissions (5):

Labcorp Genetics (formerly Invitae), Labcorp
Classification: Uncertain significance for Desmin-related myofibrillar myopathy. Last evaluated: 2025-11-24. Review status: criteria provided, single submitter. Criteria: Invitae Variant Classification Sherloc (09022015). Collection method: clinical testing. Allele origin: germline.
Comment: This sequence change replaces arginine, which is basic and polar, with serine, which is neutral and polar, at codon 436 of the DES protein (p.Arg436Ser). This variant is present in population databases (no rsID available, gnomAD 0.01%). This missense change has been observed in individual(s) with dilated cardiomyopathy (PMID: 32880476). ClinVar contains an entry for this variant (Variation ID: 1285006). Invitae Evidence Modeling of protein sequence and biophysical properties (such as structural, functional, and spatial information, amino acid conservation, physicochemical variation, residue mobility, and thermodynamic stability) indicates that this missense variant is not expected to disrupt DES protein function with a negative predictive value of 80%. In summary, the available evidence is currently insufficient to determine the role of this variant in disease. Therefore, it has been classified as a Variant of Uncertain Significance.

GeneDx
Classification: Uncertain significance. Last evaluated: 2024-12-26. Review status: criteria provided, single submitter. Criteria: GeneDx Variant Classification Process June 2021. Collection method: clinical testing. Allele origin: germline. Affected: yes.
Comment: Reported previously as a variant of uncertain significance in a patient with dilated cardiomyopathy who also harbored a variant in TTN; no further clinical or segregation information was provided (PMID: 32880476); In silico analysis indicates that this missense variant does not alter protein structure/function; This variant is associated with the following publications: (PMID: 26807690, 32880476)

Ambry Genetics
Classification: Uncertain significance for Cardiovascular phenotype. Last evaluated: 2023-11-03. Review status: criteria provided, single submitter. Criteria: Ambry Variant Classification Scheme 2023. Collection method: clinical testing. Allele origin: germline.
Comment: The p.R436S variant (also known as c.1308G>C), located in coding exon 8 of the DES gene, results from a G to C substitution at nucleotide position 1308. The arginine at codon 436 is replaced by serine, an amino acid with dissimilar properties. This alteration has been reported in association with dilated cardiomyopathy (DCM) (Verdonschot JAJ et al. Circ Genom Precis Med, 2020 Oct;13:476-487). This amino acid position is well conserved in available vertebrate species. In addition, this alteration is predicted to be deleterious by in silico analysis. Since supporting evidence is limited at this time, the clinical significance of this alteration remains unclear.

Genome Diagnostics Laboratory, University Medical Center Utrecht
Classification: Uncertain significance. Review status: no assertion criteria provided. Collection method: clinical testing. Allele origin: germline. Affected: yes. Study: VKGL Data-share Consensus. Not counted in ClinVar's aggregate classification.

Joint Genome Diagnostic Labs from Nijmegen and Maastricht, Radboudumc and MUMC+
Classification: Uncertain significance. Review status: no assertion criteria provided. Collection method: clinical testing. Allele origin: germline. Affected: yes. Study: VKGL Data-share Consensus. Not counted in ClinVar's aggregate classification.

Literature cited by the submitters: PubMed 32880476 (cited by Labcorp Genetics (formerly Invitae), Labcorp and Ambry Genetics).

NM_001927.4(DES):c.1308G>C (p.Arg436Ser)

Gene: DES (desmin; plus strand). Cytogenetic location: 2q35.
Variant type: single nucleotide variant.
Coding change: c.1308G>C on transcript NM_001927.4 (MANE Select); coding-DNA position 1308, G replaced by C.
Protein change: p.Arg436Ser; replaces arginine 436 with serine.
Molecular consequence: missense variant.
Genome position (GRCh38, 1-based): chr2:219,425,682, G>C. VCF-style: chr2-219425682-G-C. GRCh37 (hg19) VCF-style: chr2-220290404-G-C.
Other names: c.1308G>C (NM_001927.3); c.1305G>C, p.Arg435Ser (NM_001382708.1); c.876G>C, p.Arg292Ser (NM_001382709.1); c.1239G>C, p.Arg413Ser (NM_001382710.1); c.1287G>C, p.Arg429Ser (NM_001382711.1); c.1308G>C, p.Arg436Ser (NM_001382712.1); c.1038G>C, p.Arg346Ser (NM_001382713.1); short protein forms R292S, R346S, R413S, R429S, R435S, R436S.
Identifiers: ClinVar variation 1285006 (VCV001285006.6), dbSNP rs985185092, ClinGen allele CA65986916.